The following is an entry in ClinVar:

NM_001080.3(ALDH5A1):c.1015-2A>C

Gene: ALDH5A1 (aldehyde dehydrogenase 5 family member A1; plus strand). Cytogenetic location: 6p22.3.
Variant type: single nucleotide variant.
Coding change: c.1015-2A>C on transcript NM_001080.3 (MANE Select); the canonical splice acceptor site of the intron before coding-DNA position 1015, A replaced by C.
Molecular consequence: splice acceptor variant.
Genome position (GRCh38, 1-based): chr6:24,522,765, A>C. VCF-style: chr6-24522765-A-C. GRCh37 (hg19) VCF-style: chr6-24522993-A-C.
Other names: c.1054-2A>C (NM_170740.1); c.871-2A>C (NM_001368954.1).
Identifiers: ClinVar variation 959632 (VCV000959632.16), dbSNP rs769111673, ClinGen allele CA3656837.

ClinVar aggregate classification (germline): Pathogenic. Review status: criteria provided, multiple submitters, no conflicts (2 of 4 stars). 4 submissions from 4 submitters: Pathogenic (4). Last evaluated 2025-12-11.

Conditions:
Succinate-semialdehyde dehydrogenase deficiency (SSADHD). Also called: Succinic Semialdehyde Dehydrogenase Deficiency; SSADH DEFICIENCY; 4-HYDROXYBUTYRIC ACIDURIA; GABA METABOLIC DEFECT. Identifiers: Orphanet 22, MedGen C0268631, MONDO:0010083, OMIM 271980.

Allele frequency attached by ClinVar (database versions not stated): gnomAD exomes 0.00002 and 0.00004; ExAC 0.00001; gnomAD 0.00001; TOPMed below 0.00001.
gnomAD v4.1: 54 of 1,613,734 alleles (0.0033%); highest among the groups gnomAD compares: Non-Finnish European, 0.0044%; no homozygotes.

Submissions (4):

GeneDx
Classification: Pathogenic. Last evaluated: 2025-12-11. Review status: criteria provided, single submitter. Criteria: GeneDx Variant Classification Process June 2021. Collection method: clinical testing. Allele origin: germline.
Comment: Canonical splice site variant predicted to result in an in-frame loss of the adjacent exon in a gene for which loss of function is a known mechanism of disease; Not observed at significant frequency in large population cohorts (gnomAD); This variant is associated with the following publications: (PMID: 25525159, 26268900, 14635103, 32395407, 38499966, 32887777, 32439973, 39011401, 34015244, 37962671)

Labcorp Genetics (formerly Invitae), Labcorp
Classification: Pathogenic for Succinate-semialdehyde dehydrogenase deficiency. Last evaluated: 2023-03-01. Review status: criteria provided, single submitter. Criteria: Invitae Variant Classification Sherloc (09022015). Collection method: clinical testing. Allele origin: germline.
Comment: This sequence change affects an acceptor splice site in intron 6 of the ALDH5A1 gene. It is expected to disrupt RNA splicing. Variants that disrupt the donor or acceptor splice site typically lead to a loss of protein function (PMID: 16199547), and loss-of-function variants in ALDH5A1 are known to be pathogenic (PMID: 14635103). This variant is present in population databases (rs769111673, gnomAD 0.006%). For these reasons, this variant has been classified as Pathogenic. Algorithms developed to predict the effect of sequence changes on RNA splicing suggest that this variant may disrupt the consensus splice site. ClinVar contains an entry for this variant (Variation ID: 959632). Disruption of this splice site has been observed in individual(s) with succinic semialdehyde dehydrogenase deficiency (PMID: 14635103, 32395407).

Fulgent Genetics
Classification: Pathogenic for Succinate-semialdehyde dehydrogenase deficiency. Last evaluated: 2021-11-19. Review status: criteria provided, single submitter. Criteria: ACMG Guidelines, 2015. Collection method: clinical testing. Allele origin: unknown.

Elsea Laboratory, Baylor College of Medicine
Classification: Pathogenic for Succinate-semialdehyde dehydrogenase deficiency. Last evaluated: 2021-03-08. Review status: criteria provided, single submitter. Criteria: Martin et al. (J Child Neurol. 2021). Collection method: curation. Allele origin: germline. Affected: yes.

Literature cited by the submitters: PubMed 16199547 (cited by Labcorp Genetics (formerly Invitae), Labcorp); PubMed 14635103 (cited by Labcorp Genetics (formerly Invitae), Labcorp); PubMed 32395407 (cited by Labcorp Genetics (formerly Invitae), Labcorp).